The following is an entry in ClinVar:

NM_001009999.3(KDM1A):c.1966C>T (p.Gln656Ter)

Gene: KDM1A (lysine demethylase 1A; plus strand). Cytogenetic location: 1p36.12.
Variant type: single nucleotide variant.
Coding change: c.1966C>T on transcript NM_001009999.3 (MANE Select); coding-DNA position 1966, C replaced by T.
Protein change: p.Gln656Ter; replaces glutamine 656 with a stop codon.
Molecular consequence: nonsense.
Genome position (GRCh38, 1-based): chr1:23,079,088, C>T. VCF-style: chr1-23079088-C-T. GRCh37 (hg19) VCF-style: chr1-23405581-C-T.
Other names: c.1912C>T, p.Gln638Ter (NM_001363654.2); c.1972C>T, p.Gln658Ter (NM_001410762.1); c.1894C>T, p.Gln632Ter (NM_001410763.1, NM_015013.4); short protein forms Q632*, Q638*, Q656*, Q658*.
Identifiers: ClinVar variation 2638479 (VCV002638479.25), dbSNP rs2124544754, ClinGen allele CA338971039.
Genomic context (GRCh38, chr1:23,079,088, plus strand): 5'-CAAACCTTTATTTATAAATGCGACGCAGTTCTCTGTACCCTTCCCCTGGGTGTGCTGAAG[C>T]AGCAGCCACCAGCCGTTCAGTTTGTGCCACCTCTCCCTGAGTGGAAAACATCTGCAGTCC-3'

ClinVar aggregate classification (germline): Uncertain significance. Review status: criteria provided, multiple submitters, no conflicts (2 of 4 stars). 2 submissions from 2 submitters: Uncertain significance (2). Last evaluated 2023-06-22.

Conditions:
Palatal anomalies-widely spaced teeth-facial dysmorphism-developmental delay syndrome. Also called: Cleft palate, psychomotor retardation, and distinctive facial features. Identifiers: Orphanet 477993, MedGen C4225229, MONDO:0014751, OMIM 616728.

Allele frequency attached by ClinVar (database versions not stated): gnomAD exomes below 0.00001.
gnomAD v4.1: 1 of 1,614,122 alleles (0.000062%); highest among the groups gnomAD compares: Non-Finnish European, 0.000085%; no homozygotes.

Submissions (2):

Neuberg Centre For Genomic Medicine, NCGM
Classification: Uncertain significance for Palatal anomalies-widely spaced teeth-facial dysmorphism-developmental delay syndrome. Last evaluated: 2023-06-22. Review status: criteria provided, single submitter. Criteria: ACMG Guidelines, 2015. Collection method: clinical testing. Allele origin: germline. Inheritance: Autosomal dominant inheritance. Affected: yes.
Comment: The observed stop gained c.1966C>T(p.Gln656Ter) variant in KDM1A gene has not been reported previously as a pathogenic variant nor as a benign variant, to our knowledge. This variant is absent in gnomAD Exomes. This variant is predicted to cause loss of normal protein function either through protein truncation or nonsense-mediated mRNA decay. Loss of function variants have been previously reported to be disease causing. Computational evidence (MutationTaster - Disease causing automatic) predicts damaging effect on protein structure and function for this variant. Study of the variant in multiple affected individuals and its functional impact on the protein is required to determine the pathogenicity of the variant. For these reasons, this variant has been classified as Uncertain Significance.

CeGaT Center for Human Genetics Tuebingen
Classification: Uncertain significance. Last evaluated: 2022-10-01. Review status: criteria provided, single submitter. Criteria: CeGaT Center For Human Genetics Tuebingen Variant Classification Criteria Version 2. Collection method: clinical testing. Allele origin: germline. Affected: yes. Observed: 1 variant allele.
Comment: KDM1A: PM2, PS2:Moderate